The following is an entry in ClinVar:

NM_002485.5(NBN):c.2128G>C (p.Ala710Pro)

Gene: NBN (nibrin; minus strand). Cytogenetic location: 8q21.3.
Variant type: single nucleotide variant.
Coding change: c.2128G>C on transcript NM_002485.5 (MANE Select); coding-DNA position 2128, G replaced by C.
Protein change: p.Ala710Pro; replaces alanine 710 with proline.
Molecular consequence: missense variant.
Genome position (GRCh38, 1-based): chr8:89,943,309, C>G on the plus strand (G>C on the coding strand, the complement: NBN is on the minus strand). VCF-style: chr8-89943309-C-G. GRCh37 (hg19) VCF-style: chr8-90955537-C-G.
Other names: c.1882G>C, p.Ala628Pro (NM_001024688.3); short protein forms A710P, A628P.
Identifiers: ClinVar variation 483985 (VCV000483985.15), dbSNP rs1554555808, ClinGen allele CA371675559.
Genomic context (GRCh38, chr8:89,943,309, plus strand): 5'-TAACCTCCATTTCCTGCCTTAGCCACTCTTCTAGTTCTGTATTCTTTCGAGCATGATGAG[C>G]TATTAGATCTGATCCTCCAATGATGTGTGGAAGTTTTCCTGCTCCAGGATATGTGACCTA-3'
Protein context (NP_002476.2, residues 700-720): PHIIGGSDLI[Ala710Pro]HHARKNTELE

ClinVar aggregate classification (germline): Conflicting classifications of pathogenicity. Review status: criteria provided, conflicting classifications (1 of 4 stars). 3 submissions from 3 submitters: Uncertain significance (2); Likely benign (1). Last evaluated 2025-06-03.

Conditions:
Hereditary cancer-predisposing syndrome. Also called: Hereditary neoplastic syndrome; Neoplastic Syndromes, Hereditary; Tumor predisposition; Hereditary Cancer Syndrome. Identifiers: Orphanet 140162, MedGen C0027672, MeSH D009386, MONDO:0015356.
Microcephaly, normal intelligence and immunodeficiency (NBS). Also called: IMMUNODEFICIENCY, MICROCEPHALY, AND CHROMOSOMAL INSTABILITY; SEEMANOVA SYNDROME II; Nijmegen breakage syndrome; Microcephaly with normal intelligence immunodeficiency and lymphoreticular malignancies; Nonsyndromal microcephaly autosomal recessive with normal intelligence; Seemanova syndrome 2. Identifiers: Orphanet 647, MedGen C0398791, MONDO:0009623, OMIM 251260.

Allele frequency attached by ClinVar (database versions not stated): TOPMed below 0.00001.
gnomAD v4.1: 1 of 1,613,130 alleles (0.000062%); highest among the groups gnomAD compares: African/African-American, 0.0013%; no homozygotes.

Submissions (3):

Labcorp Genetics (formerly Invitae), Labcorp
Classification: Uncertain significance for Microcephaly, normal intelligence and immunodeficiency. Last evaluated: 2025-06-03. Review status: criteria provided, single submitter. Criteria: Invitae Variant Classification Sherloc (09022015). Collection method: clinical testing. Allele origin: germline.
Comment: This sequence change replaces alanine, which is neutral and non-polar, with proline, which is neutral and non-polar, at codon 710 of the NBN protein (p.Ala710Pro). This variant is not present in population databases (gnomAD no frequency). This variant has not been reported in the literature in individuals affected with NBN-related conditions. ClinVar contains an entry for this variant (Variation ID: 483985). An algorithm developed to predict the effect of missense changes on protein structure and function outputs the following: PolyPhen-2: "Probably Damaging". The proline amino acid residue is found in multiple mammalian species, which suggests that this missense change does not adversely affect protein function. In summary, the available evidence is currently insufficient to determine the role of this variant in disease. Therefore, it has been classified as a Variant of Uncertain Significance.

Genome-Nilou Lab
Classification: Uncertain significance for Microcephaly, normal intelligence and immunodeficiency. Last evaluated: 2021-11-07. Review status: criteria provided, single submitter. Criteria: ACMG Guidelines, 2015. Collection method: clinical testing. Allele origin: germline. Affected: no.

Ambry Genetics
Classification: Likely benign for Hereditary cancer-predisposing syndrome. Last evaluated: 2020-07-17. Review status: criteria provided, single submitter. Criteria: Ambry Variant Classification Scheme 2023. Collection method: clinical testing. Allele origin: germline.